The following is an entry in ClinVar:

ClinVar aggregate classification (germline): Uncertain significance (1 of 4 stars; one submission).

Conditions:
Epilepsy, familial adult myoclonic, 5 (EPEO5). Also called: CORTICAL MYOCLONIC TREMOR WITH EPILEPSY, FAMILIAL, 5. Identifiers: Orphanet 86814, MedGen C3809374, MONDO:0014167, OMIM 615400.

Allele frequency attached by ClinVar (database versions not stated): ExAC 0.00001; gnomAD 0.00001; TOPMed 0.00002.
gnomAD v4.1: 15 of 1,614,010 alleles (0.00093%); highest among the groups gnomAD compares: Middle Eastern, 0.016%; no homozygotes.

Submission:

Labcorp Genetics (formerly Invitae), Labcorp
Classification: Uncertain significance for Epilepsy, familial adult myoclonic, 5. Last evaluated: 2021-09-01. Review status: criteria provided, single submitter. Criteria: Invitae Variant Classification Sherloc (09022015). Collection method: clinical testing. Allele origin: germline.
Comment: This sequence change replaces valine with methionine at codon 888 of the CNTN2 protein (p.Val888Met). The valine residue is highly conserved and there is a small physicochemical difference between valine and methionine. This variant is present in population databases (rs775579054, ExAC 0.002%). This variant has not been reported in the literature in individuals affected with CNTN2-related conditions. Algorithms developed to predict the effect of missense changes on protein structure and function are either unavailable or do not agree on the potential impact of this missense change (SIFT: "Deleterious"; PolyPhen-2: "Probably Damaging"; Align-GVGD: "Class C0"). In summary, the available evidence is currently insufficient to determine the role of this variant in disease. Therefore, it has been classified as a Variant of Uncertain Significance.

NM_005076.5(CNTN2):c.2662G>A (p.Val888Met)

Gene: CNTN2 (contactin 2; plus strand). Cytogenetic location: 1q32.1.
Variant type: single nucleotide variant.
Coding change: c.2662G>A on transcript NM_005076.5 (MANE Select); coding-DNA position 2662, G replaced by A.
Protein change: p.Val888Met; replaces valine 888 with methionine.
Molecular consequence: missense variant. On other transcripts: non-coding transcript variant (1).
Genome position (GRCh38, 1-based): chr1:205,072,064, G>A. VCF-style: chr1-205072064-G-A. GRCh37 (hg19) VCF-style: chr1-205041192-G-A.
Other names: c.2662G>A, p.Val888Met (NM_001346083.2); short protein forms V888M.
Identifiers: ClinVar variation 474479 (VCV000474479.6), dbSNP rs775579054, ClinGen allele CA1351755.
Genomic context (GRCh38, chr1:205,072,064, plus strand): 5'-GGGCTGGACACCAGTGCCCGAGTCAGCGGCCTGCATCCCAACACCAAGTACCATGTGACC[G>A]TGAGGGCCTACAACCGGGCTGGCACTGGGCCTGCCAGCCCTTCTGCCAACGCCACGACCA-3'
Protein context (NP_005067.1, residues 878-898): LHPNTKYHVT[Val888Met]RAYNRAGTGP